The following is an entry in ClinVar:

NM_000709.4(BCKDHA):c.292_293del (p.Pro98fs)

Gene: BCKDHA (branched chain keto acid dehydrogenase E1 subunit alpha; plus strand). Cytogenetic location: 19q13.2.
Variant type: Deletion.
Coding change: c.292_293del on transcript NM_000709.4 (MANE Select); coding-DNA positions 292 to 293, 2 bases deleted (CC; older notation c.292_293delCC).
Protein change: p.Pro98fs; shifts the reading frame from proline 98.
Molecular consequence: frameshift variant.
Genome position (GRCh38, 1-based): chr19:41,410,926-41,410,927, CC deleted. VCF-style (leftmost placement, unchanged base first): chr19-41410925-GCC-G. GRCh37 (hg19) VCF-style: chr19-41916830-GCC-G.
Other names: c.292_293del, p.Pro98fs (NM_001164783.2); short protein forms P98fs.
Identifiers: ClinVar variation 1725062 (VCV001725062.2), dbSNP rs2513452327, ClinGen allele CA2580097285.
Genomic context (GRCh38, chr19:41,410,925, plus strand): 5'-TTGCCTGTCTCCTCTCTGGTCCCAACTGCCCCACGTCTATCTGTGCCTCCACCCGCAGCT[GCC>G]GAAGGAGAAGGTGCTGAAGCTCTACAAGAGCATGACACTGCTTAACACCATGGACCGCAT-3'

ClinVar aggregate classification (germline): Likely pathogenic (1 of 4 stars; one submission).

Conditions:
Maple syrup urine disease (MSUD). Identifiers: Orphanet 511, MedGen C0024776, MeSH D008375, MONDO:0009563. Disease mechanism: loss of function.

Submission:

Myriad Genetics, Inc.
Classification: Likely pathogenic for Maple syrup urine disease type 1A. Last evaluated: 2022-03-06. Review status: criteria provided, single submitter. Criteria: Myriad Women's Health Autosomal Recessive and X-Linked Classification Criteria (2021). Collection method: clinical testing. Allele origin: unknown.
Comment: NM_000709.3(BCKDHA):c.292_293delCC(P98Efs*15) is expected to be pathogenic in the context of maple syrup urine disease type Ia. This variant is predicted to lead to an abnormal or absent protein product due to the creation of a premature termination codon in BCKDHA, a gene where loss-of-function variants are known to be pathogenic. Please note: this variant was assessed in the context of healthy population screening.